The following is an entry in ClinVar:

ClinVar aggregate classification (germline): Uncertain significance (1 of 4 stars; one submission).

Conditions:
Saldino-Mainzer syndrome (SRTD9). Also called: Renal dysplasia, retinal pigmentary dystrophy, cerebellar ataxia and skeletal dysplasia; CONORENAL SYNDROME; short-rib thoracic dysplasia 9 with or without polydactyly; SHORT-RIB THORACIC DYSPLASIA 9 WITHOUT POLYDACTYLY. Identifiers: Orphanet 140969, MedGen C1849437, MONDO:0009964, OMIM 266920.

Allele frequency attached by ClinVar (database versions not stated): ExAC 0.00001; gnomAD 0.00001; gnomAD exomes 0.00001; TOPMed 0.00002; ESP Exome Variant Server 0.00008.
gnomAD v4.1: 11 of 1,613,866 alleles (0.00068%); highest among the groups gnomAD compares: African/African-American, 0.0013%; no homozygotes.

Submission:

Labcorp Genetics (formerly Invitae), Labcorp
Classification: Uncertain significance for Saldino-Mainzer syndrome. Last evaluated: 2022-01-22. Review status: criteria provided, single submitter. Criteria: Invitae Variant Classification Sherloc (09022015). Collection method: clinical testing. Allele origin: germline.
Comment: Algorithms developed to predict the effect of missense changes on protein structure and function are either unavailable or do not agree on the potential impact of this missense change (SIFT: "Deleterious"; PolyPhen-2: "Probably Damaging"; Align-GVGD: "Class C0"). This variant has not been reported in the literature in individuals affected with IFT140-related conditions. This variant is present in population databases (rs370514307, gnomAD 0.007%). This sequence change replaces threonine, which is neutral and polar, with isoleucine, which is neutral and non-polar, at codon 772 of the IFT140 protein (p.Thr772Ile). In summary, the available evidence is currently insufficient to determine the role of this variant in disease. Therefore, it has been classified as a Variant of Uncertain Significance.

NM_014714.4(IFT140):c.2315C>T (p.Thr772Ile)

Gene: IFT140 (intraflagellar transport 140; minus strand). Cytogenetic location: 16p13.3.
Variant type: single nucleotide variant.
Coding change: c.2315C>T on transcript NM_014714.4 (MANE Select); coding-DNA position 2315, C replaced by T.
Protein change: p.Thr772Ile; replaces threonine 772 with isoleucine.
Molecular consequence: missense variant.
Genome position (GRCh38, 1-based): chr16:1,558,019, G>A on the plus strand (C>T on the coding strand, the complement: IFT140 is on the minus strand). VCF-style: chr16-1558019-G-A. GRCh37 (hg19) VCF-style: chr16-1608020-G-A.
Other names: short protein forms T772I.
Identifiers: ClinVar variation 1985069 (VCV001985069.4), dbSNP rs370514307, ClinGen allele CA7813941.